The following is an entry in ClinVar:

NM_002161.6(IARS1):c.1106A>G (p.Tyr369Cys)

Gene: IARS1 (isoleucyl-tRNA synthetase 1; minus strand). Cytogenetic location: 9q22.31.
Variant type: single nucleotide variant.
Coding change: c.1106A>G on transcript NM_002161.6 (MANE Select); coding-DNA position 1106, A replaced by G.
Protein change: p.Tyr369Cys; replaces tyrosine 369 with cysteine.
Molecular consequence: missense variant. On other transcripts: non-coding transcript variant (1).
Genome position (GRCh38, 1-based): chr9:92,271,540, T>C on the plus strand (A>G on the coding strand, the complement: IARS1 is on the minus strand). VCF-style: chr9-92271540-T-C. GRCh37 (hg19) VCF-style: chr9-95033822-T-C.
Other names: c.1106A>G, p.Tyr369Cys (NM_001374299.1, NM_001374300.1, NM_001374301.1 and 14 more transcripts); c.1169A>G, p.Tyr390Cys (NM_001378569.1); c.1127A>G, p.Tyr376Cys (NM_001378571.1); c.983A>G, p.Tyr328Cys (NM_001378583.1); short protein forms Y390C, Y328C, Y369C, Y376C.
Identifiers: ClinVar variation 1922659 (VCV001922659.5), dbSNP rs963295252, ClinGen allele CA195373545.

ClinVar aggregate classification (germline): Uncertain significance (1 of 4 stars; one submission).

Allele frequency attached by ClinVar (database versions not stated): gnomAD exomes 0.00002; TOPMed 0.00002.

Submission:

Labcorp Genetics (formerly Invitae), Labcorp
Classification: Uncertain significance. Last evaluated: 2024-01-24. Review status: criteria provided, single submitter. Criteria: Invitae Variant Classification Sherloc (09022015). Collection method: clinical testing. Allele origin: germline.
Comment: This sequence change replaces tyrosine, which is neutral and polar, with cysteine, which is neutral and slightly polar, at codon 369 of the IARS protein (p.Tyr369Cys). This variant is present in population databases (no rsID available, gnomAD 0.003%). This variant has not been reported in the literature in individuals affected with IARS-related conditions. ClinVar contains an entry for this variant (Variation ID: 1922659). An algorithm developed to predict the effect of missense changes on protein structure and function (PolyPhen-2) suggests that this variant is likely to be disruptive. In summary, the available evidence is currently insufficient to determine the role of this variant in disease. Therefore, it has been classified as a Variant of Uncertain Significance.